The following is an entry in ClinVar:

NM_004370.6(COL12A1):c.3257G>T (p.Arg1086Leu)

Gene: COL12A1 (collagen type XII alpha 1 chain; minus strand). Cytogenetic location: 6q13.
Variant type: single nucleotide variant.
Coding change: c.3257G>T on transcript NM_004370.6 (MANE Select); coding-DNA position 3257, G replaced by T.
Protein change: p.Arg1086Leu; replaces arginine 1086 with leucine.
Molecular consequence: missense variant. On other transcripts: intron variant (2).
Genome position (GRCh38, 1-based): chr6:75,155,848, C>A on the plus strand (G>T on the coding strand, the complement: COL12A1 is on the minus strand). VCF-style: chr6-75155848-C-A. GRCh37 (hg19) VCF-style: chr6-75865564-C-A.
Other names: c.3257G>T, p.Arg1086Leu (NM_001424113.1, NM_001424114.1); c.2984G>T, p.Arg995Leu (NM_001424115.1); c.74-3366G>T (NM_001424116.1, NM_080645.3); short protein forms R1086L, R995L.
Identifiers: ClinVar variation 3364424 (VCV003364424.1).

ClinVar aggregate classification (germline): Uncertain significance (1 of 4 stars; one submission).

gnomAD v4.1: 10 of 1,592,850 alleles (0.00063%); highest among the groups gnomAD compares: South Asian, 0.01%; no homozygotes.

Submission:

GeneDx
Classification: Uncertain significance. Last evaluated: 2023-11-13. Review status: criteria provided, single submitter. Criteria: GeneDx Variant Classification Process June 2021. Collection method: clinical testing. Allele origin: germline. Affected: yes.
Comment: In silico analysis supports that this missense variant does not alter protein structure/function; Has not been previously published as pathogenic or benign to our knowledge